The following is an entry in ClinVar:

NM_005585.5(SMAD6):c.403_423del (p.Ala135_Ala141del)

Gene: SMAD6 (SMAD family member 6; plus strand). Cytogenetic location: 15q22.31.
Variant type: Deletion.
Coding change: c.403_423del on transcript NM_005585.5 (MANE Select); coding-DNA positions 403 to 423, 21 bases deleted (GCCGGCGCGCCCCGGGACGCC).
Protein change: p.Ala135_Ala141del.
Molecular consequence: inframe deletion. On other transcripts: non-coding transcript variant (1).
Genome position (GRCh38, 1-based): chr15:66,703,661-66,703,681, GCCGGCGCGCCCCGGGACGCC deleted; deleting any 21 consecutive bases within chr15:66,703,652-66,703,681 gives the same sequence; the c. name uses the placement nearest the transcript's 3' end. VCF-style (leftmost placement, unchanged base first): chr15-66703651-GCGGGACGCCGCCGGCGCGCCC-G. GRCh37 (hg19) VCF-style: chr15-66995989-GCGGGACGCCGCCGGCGCGCCC-G.
Identifiers: ClinVar variation 2139179 (VCV002139179.32), dbSNP rs779805606, ClinGen allele CA7626461.
Genomic context (GRCh38, chr15:66,703,651, plus strand): 5'-AGGCCCGGGCTGGCTGCCCGAGAGTGACTGCGAGACGGTGACCTGCTGTCTCTTTTCGGA[GCGGGACGCCGCCGGCGCGCCC>G]CGGGACGCCAGCGACCCCCTGGCCGGGGCGGCCCTGGAGCCGGCGGGCGGCGGGCGGAGT-3'

ClinVar aggregate classification (germline): Conflicting classifications of pathogenicity. Review status: criteria provided, conflicting classifications (1 of 4 stars). 3 submissions from 3 submitters: Uncertain significance (1); Likely benign (2). Last evaluated 2026-01-25.

Conditions:
Aortic valve disease 2 (AOVD2). Identifiers: MedGen C3542024, MONDO:0013902, OMIM 614823.

Submissions (3):

Labcorp Genetics (formerly Invitae), Labcorp
Classification: Uncertain significance for Aortic valve disease 2. Last evaluated: 2026-01-25. Review status: criteria provided, single submitter. Criteria: Invitae Variant Classification Sherloc (09022015). Collection method: clinical testing. Allele origin: germline.
Comment: This variant, c.403_423del, results in the deletion of 7 amino acid(s) of the SMAD6 protein (p.Ala135_Ala141del), but otherwise preserves the integrity of the reading frame. This variant is present in population databases (rs779805606, gnomAD 6%). This variant has not been reported in the literature in individuals affected with SMAD6-related conditions. ClinVar contains an entry for this variant (Variation ID: 2139179). Experimental studies and prediction algorithms are not available or were not evaluated, and the functional significance of this variant is currently unknown. In summary, the available evidence is currently insufficient to determine the role of this variant in disease. Therefore, it has been classified as a Variant of Uncertain Significance.

Blueprint Genetics
Classification: Likely benign. Last evaluated: 2024-10-30. Review status: criteria provided, single submitter. Criteria: ACMG Guidelines, 2015. Collection method: clinical testing. Allele origin: germline.

CeGaT Center for Human Genetics Tuebingen
Classification: Likely benign. Last evaluated: 2023-06-01. Review status: criteria provided, single submitter. Criteria: CeGaT Center For Human Genetics Tuebingen Variant Classification Criteria Version 2. Collection method: clinical testing. Allele origin: germline. Affected: yes. Observed: 1 variant allele.
Comment: SMAD6: BS2